The following is an entry in ClinVar:

ClinVar aggregate classification (germline): Pathogenic/Likely pathogenic. Review status: criteria provided, multiple submitters, no conflicts (2 of 4 stars). 2 submissions from 2 submitters: Pathogenic (1); Likely pathogenic (1). Last evaluated 2026-01-08.

Conditions:
Tyrosinemia type I (TYRSN1). Also called: HEPATORENAL TYROSINEMIA; FAH DEFICIENCY; Tyrosinemia type 1; Fumarylacetoacetase deficiency; Deficiency of fumarylacetoacetase. Identifiers: Orphanet 882, MedGen C0268490, MONDO:0010161, OMIM 276700. Disease mechanism: loss of function.

Allele frequency attached by ClinVar (database versions not stated): TOPMed 0.00001.
gnomAD v4.1: 3 of 1,614,210 alleles (0.00019%); no homozygotes.

Submissions (2):

Labcorp Genetics (formerly Invitae), Labcorp
Classification: Pathogenic for Tyrosinemia type I. Last evaluated: 2026-01-08. Review status: criteria provided, single submitter. Criteria: Invitae Variant Classification Sherloc (09022015). Collection method: clinical testing. Allele origin: germline.
Comment: This sequence change replaces leucine, which is neutral and non-polar, with proline, which is neutral and non-polar, at codon 41 of the FAH protein (p.Leu41Pro). This variant is not present in population databases (gnomAD no frequency). This missense change has been observed in individual(s) with tyrosinemia type 1 (internal data). ClinVar contains an entry for this variant (Variation ID: 1354594). Invitae Evidence Modeling of protein sequence and biophysical properties (such as structural, functional, and spatial information, amino acid conservation, physicochemical variation, residue mobility, and thermodynamic stability) indicates that this missense variant is expected to disrupt FAH protein function with a positive predictive value of 80%. For these reasons, this variant has been classified as Pathogenic.

Natera, Inc.
Classification: Likely pathogenic for Tyrosinemia type I. Last evaluated: 2025-03-24. Review status: criteria provided, single submitter. Criteria: Natera Variant Classification Schema (03/2026). Collection method: clinical testing. Allele origin: germline.
Comment: The c.122T>C variant in FAH is a missense variant predicted to cause substitution of leucine to proline at amino acid 41. This variant is rare in the general population with a frequency below the threshold expected for the associated phenotype(s). This variant has been observed in one or more individuals affected with the associated recessive disease, as either homozygous or compound heterozygous with a second variant (PMID: 39311361). Computational prediction algorithms indicate this variant is likely to affect gene or protein function. Given the available evidence, this variant is classified as Likely Pathogenic.

Literature cited by the submitters: PubMed 39311361 (cited by Natera, Inc.).

NM_000137.4(FAH):c.122T>C (p.Leu41Pro)

Gene: FAH (fumarylacetoacetate hydrolase; plus strand). Cytogenetic location: 15q25.1.
Variant type: single nucleotide variant.
Coding change: c.122T>C on transcript NM_000137.4 (MANE Select); coding-DNA position 122, T replaced by C.
Protein change: p.Leu41Pro; replaces leucine 41 with proline.
Molecular consequence: missense variant.
Genome position (GRCh38, 1-based): chr15:80,158,100, T>C. VCF-style: chr15-80158100-T-C. GRCh37 (hg19) VCF-style: chr15-80450442-T-C.
Other names: c.122T>C, p.Leu41Pro (NM_001374377.1, NM_001374380.1); c.122T>C (NM_000137.2); short protein forms L41P.
Identifiers: ClinVar variation 1354594 (VCV001354594.10), dbSNP rs2041114940, ClinGen allele CA393617538.